The following is an entry in ClinVar:

ClinVar aggregate classification (germline): Pathogenic (1 of 4 stars; one submission).

Conditions:
Mucolipidosis type IV (ML4). Also called: ML IV. Identifiers: Orphanet 578, MedGen C0238286, MONDO:0009653, OMIM 252650.

gnomAD v4.1: 1 of 1,613,930 alleles (0.000062%); highest among the groups gnomAD compares: Non-Finnish European, 0.000085%; no homozygotes.

Submission:

Myriad Genetics, Inc.
Classification: Pathogenic for Mucolipidosis type IV. Last evaluated: 2023-12-26. Review status: criteria provided, single submitter. Criteria: Myriad Autosomal Dominant, Autosomal Recessive and X-Linked Classification Criteria (2023). Collection method: clinical testing. Allele origin: unknown.
Comment: NM_020533.2(MCOLN1):c.408C>A(Y136*) is expected to be pathogenic in the context of mucolipidosis IV. This variant is predicted to lead to an abnormal or absent protein product due to the creation of a premature termination codon in MCOLN1, a gene where loss-of-function variants are known to be pathogenic. Please note: this variant was assessed in the context of healthy population screening.

NM_020533.3(MCOLN1):c.408C>A (p.Tyr136Ter)

Gene: MCOLN1 (mucolipin TRP cation channel 1; plus strand). Cytogenetic location: 19p13.2.
Variant type: single nucleotide variant.
Coding change: c.408C>A on transcript NM_020533.3 (MANE Select); coding-DNA position 408, C replaced by A.
Protein change: p.Tyr136Ter; replaces tyrosine 136 with a stop codon.
Molecular consequence: nonsense.
Genome position (GRCh38, 1-based): chr19:7,526,763, C>A. VCF-style: chr19-7526763-C-A. GRCh37 (hg19) VCF-style: chr19-7591649-C-A.
Other names: short protein forms Y136*.
Identifiers: ClinVar variation 5012608 (VCV005012608.1).
Genomic context (GRCh38, chr19:7,526,763, plus strand): 5'-GTGGGTGGGCTGCAGAGAGCGGGCCGGACTCACAGGCCCTCCCCTTCTCTGCCCACAGTA[C>A]CTGGCGTTGCCTGACGTGTCACTGGGCCGGTATGCGTATGTCCGTGGTGGGGGTGACCCT-3'